The following is an entry in ClinVar:

NM_201384.3(PLEC):c.12802G>T (p.Ala4268Ser)

Gene: PLEC (plectin; minus strand). Cytogenetic location: 8q24.3.
Variant type: single nucleotide variant.
Coding change: c.12802G>T on transcript NM_201384.3 (MANE Select); coding-DNA position 12802, G replaced by T.
Protein change: p.Ala4268Ser; replaces alanine 4268 with serine.
Molecular consequence: missense variant.
Genome position (GRCh38, 1-based): chr8:143,917,019, C>A on the plus strand (G>T on the coding strand, the complement: PLEC is on the minus strand). VCF-style: chr8-143917019-C-A. GRCh37 (hg19) VCF-style: chr8-144991187-C-A.
Other names: c.12883G>T (NM_000445.3); c.12760G>T, p.Ala4254Ser (NM_201378.4); c.12736G>T, p.Ala4246Ser (NM_201379.3); c.13213G>T, p.Ala4405Ser (NM_201380.4); c.12706G>T, p.Ala4236Ser (NM_201381.3); c.12802G>T, p.Ala4268Ser (NM_201382.4); c.12814G>T, p.Ala4272Ser (NM_201383.3); c.12883G>T, p.Ala4295Ser (NM_000445.5); and 1 more; short protein forms A4236S, A4246S, A4405S, A3168S, A4254S, A4268S, A4272S, A4295S.
Identifiers: ClinVar variation 2934466 (VCV002934466.4), dbSNP rs368980785, ClinGen allele CA4923977.
Genomic context (GRCh38, chr8:143,917,019, plus strand): 5'-TCTCCGTGTCCAGGATGCCAGCCACGGGGCCCGTCTCCTCAGTGGGGTCTGACCAGGAGG[C>A]CAGCTGGGTCCTGGAGACGGCGGGGCTGATGGGGTAGGAGGAGGAGGATCCCACCGAGGA-3'
Protein context (NP_958786.1, residues 4258-4278): ISPAVSRTQL[Ala4268Ser]SWSDPTEETG

ClinVar aggregate classification (germline): Uncertain significance. Review status: criteria provided, multiple submitters, no conflicts (2 of 4 stars). 2 submissions from 2 submitters: Uncertain significance (2). Last evaluated 2025-12-29.

Conditions:
Epidermolysis bullosa simplex with nail dystrophy (EBS5D). Identifiers: MedGen C4225309, MONDO:0014661, OMIM 616487.
Epidermolysis bullosa simplex 5C, with pyloric atresia (EBS5C). Also called: PLEC-Related Epidermolysis Bullosa with Pyloric Atresia; Epidermolysis bullosa simplex with pyloric atresia; PLEC1-Related Epidermolysis Bullosa with Pyloric Atresia. Identifiers: Orphanet 158684, MedGen C2677349, MONDO:0012807, OMIM 612138.
Autosomal recessive limb-girdle muscular dystrophy type 2Q (LGMDR17). Also called: MUSCULAR DYSTROPHY, LIMB-GIRDLE, AUTOSOMAL RECESSIVE 17. Identifiers: Orphanet 254361, MedGen C3150989, MONDO:0013390, OMIM 613723.
Epidermolysis bullosa simplex, Ogna type (EBS5A). Also called: Pidermolysis bullosa simplex 5A, Ogna type; EPIDERMOLYSIS BULLOSA SIMPLEX 5A, OGNA TYPE. Identifiers: Orphanet 79401, MedGen C0432317, MONDO:0007555, OMIM 131950.
Epidermolysis bullosa simplex 5B, with muscular dystrophy (EBS5B). Also called: EPIDERMOLYSIS BULLOSA SIMPLEX AND LIMB-GIRDLE MUSCULAR DYSTROPHY; Epidermolysis bullosa simplex with muscular dystrophy. Identifiers: Orphanet 257, MedGen C2931072, MONDO:0009181, OMIM 226670.
Inborn genetic diseases. Identifiers: MedGen C0950123, MeSH D030342.

Allele frequency attached by ClinVar (database versions not stated): gnomAD exomes below 0.00001; ExAC 0.00002; gnomAD 0.00004; TOPMed 0.00004; ESP Exome Variant Server 0.00008.
gnomAD v4.1: 9 of 1,612,192 alleles (0.00056%); highest among the groups gnomAD compares: African/African-American, 0.011%; no homozygotes.

Submissions (2):

Labcorp Genetics (formerly Invitae), Labcorp
Classification: Uncertain significance for Autosomal recessive limb-girdle muscular dystrophy type 2Q; Epidermolysis bullosa simplex, Ogna type; Epidermolysis bullosa simplex with nail dystrophy; Epidermolysis bullosa simplex 5C, with pyloric atresia; Epidermolysis bullosa simplex 5B, with muscular dystrophy. Last evaluated: 2025-12-29. Review status: criteria provided, single submitter. Criteria: Invitae Variant Classification Sherloc (09022015). Collection method: clinical testing. Allele origin: germline.
Comment: This sequence change replaces alanine, which is neutral and non-polar, with serine, which is neutral and polar, at codon 4295 of the PLEC protein (p.Ala4295Ser). This variant is present in population databases (rs368980785, gnomAD 0.01%). This variant has not been reported in the literature in individuals affected with PLEC-related conditions. ClinVar contains an entry for this variant (Variation ID: 2934466). Invitae Evidence Modeling of protein sequence and biophysical properties (such as structural, functional, and spatial information, amino acid conservation, physicochemical variation, residue mobility, and thermodynamic stability) indicates that this missense variant is not expected to disrupt PLEC protein function with a negative predictive value of 80%. In summary, the available evidence is currently insufficient to determine the role of this variant in disease. Therefore, it has been classified as a Variant of Uncertain Significance.

Ambry Genetics
Classification: Uncertain significance for Inborn genetic diseases. Last evaluated: 2024-03-15. Review status: criteria provided, single submitter. Criteria: Ambry Variant Classification Scheme 2023. Collection method: clinical testing. Allele origin: germline.